The following is an entry in ClinVar:

NM_001364857.2(ADGRB2):c.1603A>G (p.Arg535Gly)

Gene: ADGRB2 (adhesion G protein-coupled receptor B2; minus strand). Cytogenetic location: 1p35.2.
Variant type: single nucleotide variant.
Coding change: c.1603A>G on transcript NM_001364857.2 (MANE Select); coding-DNA position 1603, A replaced by G.
Protein change: p.Arg535Gly; replaces arginine 535 with glycine.
Molecular consequence: missense variant.
Genome position (GRCh38, 1-based): chr1:31,741,708, T>C on the plus strand (A>G on the coding strand, the complement: ADGRB2 is on the minus strand). VCF-style: chr1-31741708-T-C. GRCh37 (hg19) VCF-style: chr1-32207309-T-C.
Other names: c.1603A>G, p.Arg535Gly (NM_001294335.2, NM_001294336.2); short protein forms R535G.
Identifiers: ClinVar variation 3697834 (VCV003697834.2).

ClinVar aggregate classification (germline): Uncertain significance (1 of 4 stars; one submission).

gnomAD v4.1: 3 of 1,613,798 alleles (0.00019%); highest among the groups gnomAD compares: Non-Finnish European, 0.00025%; no homozygotes.

Submission:

Labcorp Genetics (formerly Invitae), Labcorp
Classification: Uncertain significance. Last evaluated: 2025-03-27. Review status: criteria provided, single submitter. Criteria: Invitae Variant Classification Sherloc (09022015). Collection method: clinical testing. Allele origin: germline.
Comment: This sequence change replaces arginine, which is basic and polar, with glycine, which is neutral and non-polar, at codon 535 of the ADGRB2 protein (p.Arg535Gly). This variant is present in population databases (rs778042790, gnomAD 0.0009%). This variant has not been reported in the literature in individuals affected with ADGRB2-related conditions. An algorithm developed to predict the effect of missense changes on protein structure and function (PolyPhen-2) suggests that this variant is likely to be disruptive. In summary, the available evidence is currently insufficient to determine the role of this variant in disease. Therefore, it has been classified as a Variant of Uncertain Significance.